The following is an entry in ClinVar:

NM_000059.4(BRCA2):c.3238G>C (p.Asp1080His)

Gene: BRCA2 (BRCA2 DNA repair associated; plus strand). Cytogenetic location: 13q13.1.
Variant type: single nucleotide variant.
Coding change: c.3238G>C on transcript NM_000059.4 (MANE Select); coding-DNA position 3238, G replaced by C.
Protein change: p.Asp1080His; replaces aspartic acid 1080 with histidine.
Molecular consequence: missense variant.
Genome position (GRCh38, 1-based): chr13:32,337,593, G>C. VCF-style: chr13-32337593-G-C. GRCh37 (hg19) VCF-style: chr13-32911730-G-C.
Other names: short protein forms D1080H.
Identifiers: ClinVar variation 419868 (VCV000419868.18), dbSNP rs1064794159, ClinGen allele CA16619693.

ClinVar aggregate classification (germline): Conflicting classifications of pathogenicity. Review status: criteria provided, conflicting classifications (1 of 4 stars). 6 submissions from 6 submitters: Uncertain significance (5); Likely benign (1). Last evaluated 2025-11-24.

Conditions:
Hereditary cancer-predisposing syndrome. Also called: Hereditary neoplastic syndrome; Tumor predisposition; Neoplastic Syndromes, Hereditary; Hereditary Cancer Syndrome. Identifiers: Orphanet 140162, MedGen C0027672, MeSH D009386, MONDO:0015356.
Hereditary breast ovarian cancer syndrome. Also called: Hereditary breast and ovarian cancer; Hereditary breast and/or ovarian cancer syndrome; Hereditary breast and ovarian cancer syndrome; Hereditary breast and ovarian cancer syndrome (HBOC); Breast and ovarian cancer; BRCA1- and BRCA2-Associated Hereditary Breast and Ovarian Cancer. Identifiers: Orphanet 145, MedGen C0677776, MeSH D061325, MONDO:0003582. Disease mechanism: loss of function.

Allele frequency attached by ClinVar (database versions not stated): TOPMed below 0.00001; gnomAD 0.00001.
gnomAD v4.1: 1 of 1,595,102 alleles (0.000063%); highest among the groups gnomAD compares: African/African-American, 0.0014%; no homozygotes.

Submissions (6):

Labcorp Genetics (formerly Invitae), Labcorp
Classification: Uncertain significance for Hereditary breast ovarian cancer syndrome. Last evaluated: 2025-11-24. Review status: criteria provided, single submitter. Criteria: Invitae Variant Classification Sherloc (09022015). Collection method: clinical testing. Allele origin: germline.
Comment: This sequence change replaces aspartic acid, which is acidic and polar, with histidine, which is basic and polar, at codon 1080 of the BRCA2 protein (p.Asp1080His). This variant is not present in population databases (gnomAD no frequency). This missense change has been observed in individual(s) with pancreatic cancer (PMID: 20195775). ClinVar contains an entry for this variant (Variation ID: 419868). Invitae Evidence Modeling of protein sequence and biophysical properties (such as structural, functional, and spatial information, amino acid conservation, physicochemical variation, residue mobility, and thermodynamic stability) indicates that this missense variant is not expected to disrupt BRCA2 protein function with a negative predictive value of 95%. In summary, the available evidence is currently insufficient to determine the role of this variant in disease. Therefore, it has been classified as a Variant of Uncertain Significance.

Ambry Genetics
Classification: Uncertain significance for Hereditary cancer-predisposing syndrome. Last evaluated: 2025-05-04. Review status: criteria provided, single submitter. Criteria: Ambry Variant Classification Scheme 2023. Collection method: clinical testing. Allele origin: germline.
Comment: The p.D1080H variant (also known as c.3238G>C), located in coding exon 10 of the BRCA2 gene, results from a G to C substitution at nucleotide position 3238. The aspartic acid at codon 1080 is replaced by histidine, an amino acid with similar properties. This amino acid position is not well conserved in available vertebrate species. In addition, this alteration is predicted to be tolerated by in silico analysis. Since supporting evidence is limited at this time, the clinical significance of this alteration remains unclear.

Quest Diagnostics Nichols Institute San Juan Capistrano
Classification: Uncertain significance. Last evaluated: 2023-08-22. Review status: criteria provided, single submitter. Criteria: Quest Diagnostics criteria. Collection method: clinical testing. Allele origin: unknown.
Comment: In the published literature, this variant has been reported in a family with pancreatic cancer (PMID: 20195775 (2010)). Additionally, the variant has been reported in a study of BRCA1 and BRCA2 regions without essential functions that tolerate variation (PMID: 31911673 (2020)). The frequency of this variant in the general population, 0.0000066 (1/152154 chromosomes (Genome Aggregation Database)), is uninformative in the assessment of its pathogenicity. Analysis of this variant using bioinformatics tools for the prediction of the effect of amino acid changes on protein structure and function yielded conflicting predictions that this variant is benign or damaging. Based on the available information, we are unable to determine the clinical significance of this variant.

University of Washington Department of Laboratory Medicine, University of Washington
Classification: Likely benign for Hereditary cancer-predisposing syndrome. Last evaluated: 2023-03-23. Review status: criteria provided, single submitter. Criteria: Dines et al. (Genet Med. 2020). Collection method: curation. Allele origin: germline.
Comment: Missense variant in a coldspot region where missense variants are very unlikely to be pathogenic (PMID:31911673).

BRCA2 exon 11 coldspot. Reclassification based on statistical prior probability.

Women's Health and Genetics/Laboratory Corporation of America, LabCorp
Classification: Uncertain significance. Last evaluated: 2023-02-13. Review status: criteria provided, single submitter. Criteria: LabCorp Variant Classification Summary - May 2015. Collection method: clinical testing. Allele origin: germline.
Comment: Variant summary: BRCA2 c.3238G>C (p.Asp1080His) results in a non-conservative amino acid change in the encoded protein sequence. Two of four in-silico tools predict a benign effect of the variant on protein function. The variant was absent in 236336 control chromosomes. The available data on variant occurrences in the general population are insufficient to allow any conclusion about variant significance. c.3238G>C has been reported in the literature in an individual affected with familial pancreatic cancer without evidence of cosegregation (Slater_2010). This report does not provide unequivocal conclusions about association of the variant with Hereditary Breast And Ovarian Cancer Syndrome. To our knowledge, no experimental evidence demonstrating an impact on protein function has been reported. Three submitters have provided clinical-significance assessments for this variant to ClinVar after 2014, and all classified the variant as uncertain significance. Based on the evidence outlined above, the variant was classified as uncertain significance.

GeneDx
Classification: Uncertain significance. Last evaluated: 2016-11-07. Review status: criteria provided, single submitter. Criteria: GeneDx Variant Classification (06012015). Collection method: clinical testing. Allele origin: germline. Affected: yes.
Comment: This variant is denoted BRCA2 c.3238G>C at the cDNA level, p.Asp1080His (D1080H) at the protein level, and results in the change of an Aspartic Acid to a Histidine (GAT>CAT). Using alternate nomenclature, this variant would be defined as BRCA2 3466G>C. This variant has been observed in at least one individual with familial pancreatic cancer (Slater 2010). BRCA2 Asp1080His was not observed in approximately 6,500 individuals of European and African American ancestry in the NHLBI Exome Sequencing Project, suggesting it is not a common benign variant in these populations. Since Aspartic Acid and Histidine differ in polarity, charge, size or other properties, this is considered a non-conservative amino acid substitution. BRCA2 Asp1080His occurs at a position that is not conserved and is located in the RAD51 binding domain (Roy 2012). In silico analyses are inconsistent regarding the effect this variant may have on protein structure and function. Based on currently available evidence, it is unclear whether BRCA2 Asp1080His is a pathogenic or benign variant. We consider it to be a variant of uncertain significance.

Literature cited by the submitters: PubMed 20195775 (cited by 3 submitters); PubMed 31911673 (cited by Quest Diagnostics Nichols Institute San Juan Capistrano).